The following is an entry in ClinVar:

NM_133433.4(NIPBL):c.7511G>A (p.Arg2504Gln)

Gene: NIPBL (NIPBL cohesin loading factor; plus strand). Cytogenetic location: 5p13.2.
Variant type: single nucleotide variant.
Coding change: c.7511G>A on transcript NM_133433.4 (MANE Select); coding-DNA position 7511, G replaced by A.
Protein change: p.Arg2504Gln; replaces arginine 2504 with glutamine.
Molecular consequence: missense variant.
Genome position (GRCh38, 1-based): chr5:37,058,991, G>A. VCF-style: chr5-37058991-G-A. GRCh37 (hg19) VCF-style: chr5-37059093-G-A.
Other names: c.7511G>A, p.Arg2504Gln (NM_001438586.1, NM_015384.5); short protein forms R2504Q.
Identifiers: ClinVar variation 4849820 (VCV004849820.1).
Genomic context (GRCh38, chr5:37,058,991, plus strand): 5'-CTAGTAAGGAAAATGAGTCAAGCGACAGTGAAGAAGAAGTTTCCAGGCCTCGGAAGTCAC[G>A]GAAACGTGTAGATTCAGATTCAGATTCAGATTCAGAAGACGATATAAATTCAGTGATGAA-3'
Protein context (NP_597677.2, residues 2494-2514): EEEVSRPRKS[Arg2504Gln]KRVDSDSDSD

ClinVar aggregate classification (germline): Likely benign (1 of 4 stars; one submission).

Conditions:
Cornelia de Lange syndrome 1 (CDLS1). Also called: TYPUS DEGENERATIVUS AMSTELODAMENSIS; Brachmann de Lange syndrome; NIPBL-Related Cornelia de Lange Syndrome. Identifiers: Orphanet 199, MedGen C4551851, MONDO:0007387, OMIM 122470.

gnomAD v4.1: 12 of 1,614,148 alleles (0.00074%); highest among the groups gnomAD compares: South Asian, 0.0077%; no homozygotes.

Submission:

Centre for Medical Genetics,  Mumbai
Classification: Likely benign for Cornelia de Lange syndrome 1. Last evaluated: 2026-03-07. Review status: criteria provided, single submitter. Criteria: ACMG Guidelines, 2015. Collection method: provider interpretation. Allele origin: germline. Inheritance: Autosomal dominant inheritance. Affected: no. Observed: 1 variant allele, 1 heterozygote.
Comment: The variant satisfies PM2 criteria - extremely low frequency in gnomAD population databases. The variant satisfies PP2 criteria - missense variant in a gene with low rate of benign missense mutations and for which missense mutation is a common mechanism of a disease. However, the variant satisfies BS2 criteria - present in heterozygous state in an individual that clinically does not have Cornelia de Lange syndrome 1.

Literature cited by the submitters: PubMed 15146185.